The following is an entry in ClinVar:

NM_001206927.2(DNAH8):c.9739A>G (p.Arg3247Gly)

Genes: DNAH8 (dynein axonemal heavy chain 8; plus strand), DNAH8-AS1 (DNAH8 antisense RNA 1; minus strand). Cytogenetic location: 6p21.2.
Variant type: single nucleotide variant.
Coding change: c.9739A>G on transcript NM_001206927.2 (MANE Select); coding-DNA position 9739, A replaced by G.
Protein change: p.Arg3247Gly; replaces arginine 3247 with glycine.
Molecular consequence: missense variant.
Genome position (GRCh38, 1-based): chr6:38,909,743, A>G. VCF-style: chr6-38909743-A-G. GRCh37 (hg19) VCF-style: chr6-38877519-A-G.
Other names: c.9088A>G, p.Arg3030Gly (NM_001371.4); short protein forms R3247G, R3030G.
Identifiers: ClinVar variation 238659 (VCV000238659.12), dbSNP rs146938126, ClinGen allele CA3790535.

ClinVar aggregate classification (germline): Conflicting classifications of pathogenicity. Review status: criteria provided, conflicting classifications (1 of 4 stars). 3 submissions from 3 submitters: Uncertain significance (2); Likely benign (1). Last evaluated 2026-08-01.

Conditions:
Primary ciliary dyskinesia. Also called: Ciliary dyskinesia. Identifiers: Orphanet 244, MedGen C0008780, MONDO:0016575, HP:0012265.

Allele frequency attached by ClinVar (database versions not stated): ESP Exome Variant Server 0.00008; gnomAD exomes 0.00017 and 0.00033; ExAC 0.00024; 1000 Genomes Project 30x 0.00031; gnomAD 0.00038 and 0.00041; 1000 Genomes Project 0.00040; TOPMed 0.00057.
gnomAD v4.1: 323 of 1,613,020 alleles (0.02%); highest among the groups gnomAD compares: Middle Eastern, 0.21%; 1 homozygote.

Submissions (3):

CeGaT Center for Human Genetics Tuebingen
Classification: Likely benign. Last evaluated: 2026-08-01. Review status: criteria provided, single submitter. Criteria: CeGaT Center For Human Genetics Tuebingen Variant Classification Criteria Version 2. Collection method: clinical testing. Allele origin: germline. Affected: yes. Observed: 2 variant alleles.
Comment: DNAH8: BS2

Labcorp Genetics (formerly Invitae), Labcorp
Classification: Uncertain significance for Primary ciliary dyskinesia. Last evaluated: 2024-11-28. Review status: criteria provided, single submitter. Criteria: Invitae Variant Classification Sherloc (09022015). Collection method: clinical testing. Allele origin: germline.
Comment: This sequence change replaces arginine, which is basic and polar, with glycine, which is neutral and non-polar, at codon 3247 of the DNAH8 protein (p.Arg3247Gly). This variant is present in population databases (rs146938126, gnomAD 0.1%). This variant has not been reported in the literature in individuals affected with DNAH8-related conditions. ClinVar contains an entry for this variant (Variation ID: 238659). Experimental studies and prediction algorithms are not available or were not evaluated, and the functional significance of this variant is currently unknown. In summary, the available evidence is currently insufficient to determine the role of this variant in disease. Therefore, it has been classified as a Variant of Uncertain Significance.

Breakthrough Genomics
Classification: Uncertain significance. Review status: criteria provided, single submitter. Criteria: ACMG Guidelines, 2015. Collection method: not provided. Allele origin: germline. Inheritance: Autosomal recessive inheritance. Affected: yes.